The following is an entry in ClinVar:

ClinVar aggregate classification (germline): Uncertain significance. Review status: criteria provided, multiple submitters, no conflicts (2 of 4 stars). 2 submissions from 2 submitters: Uncertain significance (2). Last evaluated 2024-02-27.

Conditions:
Hypertrophic cardiomyopathy 14. Identifiers: MedGen C2750467, MONDO:0013197, OMIM 613251.

Submissions (2):

GeneDx
Classification: Uncertain significance. Last evaluated: 2024-02-27. Review status: criteria provided, single submitter. Criteria: GeneDx Variant Classification Process June 2021. Collection method: clinical testing. Allele origin: germline. Affected: yes.
Comment: Has not been previously published as pathogenic or benign to our knowledge; Not observed at significant frequency in large population cohorts (gnomAD); In silico analysis supports that this missense variant has a deleterious effect on protein structure/function

Labcorp Genetics (formerly Invitae), Labcorp
Classification: Uncertain significance for Hypertrophic cardiomyopathy 14. Last evaluated: 2023-06-27. Review status: criteria provided, single submitter. Criteria: Invitae Variant Classification Sherloc (09022015). Collection method: clinical testing. Allele origin: germline.
Comment: This sequence change replaces aspartic acid, which is acidic and polar, with glutamic acid, which is acidic and polar, at codon 1049 of the MYH6 protein (p.Asp1049Glu). In summary, the available evidence is currently insufficient to determine the role of this variant in disease. Therefore, it has been classified as a Variant of Uncertain Significance. Advanced modeling of protein sequence and biophysical properties (such as structural, functional, and spatial information, amino acid conservation, physicochemical variation, residue mobility, and thermodynamic stability) performed at Invitae indicates that this missense variant is not expected to disrupt MYH6 protein function. This variant has not been reported in the literature in individuals affected with MYH6-related conditions. This variant is not present in population databases (gnomAD no frequency).

NM_002471.4(MYH6):c.3147C>G (p.Asp1049Glu)

Gene: MYH6 (myosin heavy chain 6; minus strand). Cytogenetic location: 14q11.2.
Variant type: single nucleotide variant.
Coding change: c.3147C>G on transcript NM_002471.4 (MANE Select); coding-DNA position 3147, C replaced by G.
Protein change: p.Asp1049Glu; replaces aspartic acid 1049 with glutamic acid.
Molecular consequence: missense variant.
Genome position (GRCh38, 1-based): chr14:23,393,016, G>C on the plus strand (C>G on the coding strand, the complement: MYH6 is on the minus strand). VCF-style: chr14-23393016-G-C. GRCh37 (hg19) VCF-style: chr14-23862225-G-C.
Other names: short protein forms D1049E.
Identifiers: ClinVar variation 2789688 (VCV002789688.4), dbSNP rs2502167729, ClinGen allele CA389009587.